The following is an entry in ClinVar:

ClinVar aggregate classification (germline): Uncertain significance (1 of 4 stars; one submission).

Submission:

Labcorp Genetics (formerly Invitae), Labcorp
Classification: Uncertain significance. Last evaluated: 2022-06-23. Review status: criteria provided, single submitter. Criteria: Invitae Variant Classification Sherloc (09022015). Collection method: clinical testing. Allele origin: germline.
Comment: In summary, the available evidence is currently insufficient to determine the role of this variant in disease. Therefore, it has been classified as a Variant of Uncertain Significance. Algorithms developed to predict the effect of missense changes on protein structure and function (SIFT, PolyPhen-2, Align-GVGD) all suggest that this variant is likely to be disruptive. This variant has not been reported in the literature in individuals affected with NBAS-related conditions. This variant is not present in population databases (gnomAD no frequency). This sequence change replaces leucine, which is neutral and non-polar, with serine, which is neutral and polar, at codon 2180 of the NBAS protein (p.Leu2180Ser).

NM_015909.4(NBAS):c.6539T>C (p.Leu2180Ser)

Gene: NBAS (NBAS subunit of NRZ tethering complex; minus strand). Cytogenetic location: 2p24.3.
Variant type: single nucleotide variant.
Coding change: c.6539T>C on transcript NM_015909.4 (MANE Select); coding-DNA position 6539, T replaced by C.
Protein change: p.Leu2180Ser; replaces leucine 2180 with serine.
Molecular consequence: missense variant. On other transcripts: non-coding transcript variant (1).
Genome position (GRCh38, 1-based): chr2:15,190,297, A>G on the plus strand (T>C on the coding strand, the complement: NBAS is on the minus strand). VCF-style: chr2-15190297-A-G. GRCh37 (hg19) VCF-style: chr2-15330421-A-G.
Other names: short protein forms L2180S.
Identifiers: ClinVar variation 2009808 (VCV002009808.4), dbSNP rs2528030492, ClinGen allele CA345919967.
Genomic context (GRCh38, chr2:15,190,297, plus strand): 5'-TTACGCTAATTTTATGTTAATACTTACACATATTCACTTTTCATAGGTGGCCAAGCTTGC[A>G]AAAGTAAAACCAAGTGCTGAAATTCAGCCTCGTGGTGACTAGATTCCAGGAGTTCCATGA-3'
Protein context (NP_056993.2, residues 2170-2190): EAEFQHLVLL[Leu2180Ser]QAWPPMKSEY